The following is an entry in ClinVar:

ClinVar aggregate classification (germline): Likely pathogenic. Review status: criteria provided, multiple submitters, no conflicts (2 of 4 stars). 2 submissions from 2 submitters: Likely pathogenic (2). Last evaluated 2026-09-08.

Conditions:
Fabry disease. Also called: GLA DEFICIENCY; HEREDITARY DYSTOPIC LIPIDOSIS; Fabry's disease; Angiokeratoma corporis diffusum; Ceramide trihexosidosis; ALPHA-GALACTOSIDASE A DEFICIENCY. Identifiers: Orphanet 324, MedGen C0002986, MONDO:0010526, OMIM 301500, HP:0001071. Disease mechanism: loss of function, Fabry disease is due to inactivating mutations in the X-linked GLA gene resulting in deficiency of the enzyme Alpha Galactosidase-A..

Submissions (2):

Genomenon, Inc
Classification: Likely pathogenic for Fabry disease. Last evaluated: 2026-09-08. Review status: criteria provided, single submitter. Criteria: Genomenon Sequence Variant Interpretation Standards - Updated. Collection method: curation. Allele origin: germline. Affected: yes.
Comment: GLA p.Phe273Ser (c.818T>C) is a missense variant that changes the amino acid at codon 273 from Phenylalanine to Serine. This variant has been observed in at least one proband with clinical features consistent with Fabry disease (PMID:32719972;30677769;38308295). Functional or patient cell studies have been reported (PMID:27585509;30677769;36140787). The presence of pathogenic/likely pathogenic missense variant(s) at the same amino acid position indicates that this residue is likely important for protein function. It is absent or not present at a significant frequency in gnomAD. In silico models predict that this variant is possibly or probably damaging. In conclusion, we classify GLA p.Phe273Ser (c.818T>C) as a likely pathogenic variant.

Labcorp Genetics (formerly Invitae), Labcorp
Classification: Likely pathogenic for Fabry disease. Last evaluated: 2019-08-13. Review status: criteria provided, single submitter. Criteria: Invitae Variant Classification Sherloc (09022015). Collection method: clinical testing. Allele origin: germline.
Comment: In summary, the currently available evidence indicates that the variant is pathogenic, but additional data are needed to prove that conclusively. Therefore, this variant has been classified as Likely Pathogenic. Algorithms developed to predict the effect of missense changes on protein structure and function (SIFT, PolyPhen-2, Align-GVGD) all suggest that this variant is likely to be disruptive, but these predictions have not been confirmed by published functional studies and their clinical significance is uncertain. This variant has been observed in an individual affected with Anderson-Fabry disease (PMID: 27585509). This variant is not present in population databases (ExAC no frequency). This sequence change replaces phenylalanine with serine at codon 273 of the GLA protein (p.Phe273Ser). The phenylalanine residue is highly conserved and there is a large physicochemical difference between phenylalanine and serine.

Literature cited by the submitters: PubMed 32719972 (cited by Genomenon, Inc); PubMed 30677769 (cited by Genomenon, Inc); PubMed 38308295 (cited by Genomenon, Inc); PubMed 27585509 (cited by Genomenon, Inc and Labcorp Genetics (formerly Invitae), Labcorp); PubMed 36140787 (cited by Genomenon, Inc).

NM_000169.3(GLA):c.818T>C (p.Phe273Ser)

Genes: GLA (galactosidase alpha; minus strand), RPL36A-HNRNPH2 (RPL36A-HNRNPH2 readthrough; plus strand). Cytogenetic location: Xq22.1.
Variant type: single nucleotide variant.
Coding change: c.818T>C on transcript NM_000169.3 (MANE Select); coding-DNA position 818, T replaced by C.
Protein change: p.Phe273Ser; replaces phenylalanine 273 with serine.
Molecular consequence: missense variant. On other transcripts: non-coding transcript variant (3), intron variant (2).
Genome position (GRCh38, 1-based): chrX:101,398,551, A>G on the plus strand (T>C on the coding strand, the complement: GLA is on the minus strand). VCF-style: chrX-101398551-A-G. GRCh37 (hg19) VCF-style: chrX-100653539-A-G.
Other names: c.941T>C, p.Phe314Ser (NM_001406747.1); c.818T>C, p.Phe273Ser (NM_001406748.1); c.300+3094A>G (NM_001199973.2); c.177+6729A>G (NM_001199974.2); short protein forms F273S, F314S.
Identifiers: ClinVar variation 222425 (VCV000222425.12), dbSNP rs869312430, ClinGen allele CA352817.